The following is an entry in ClinVar:

ClinVar aggregate classification (germline): Uncertain significance. Review status: criteria provided, multiple submitters, no conflicts (2 of 4 stars). 2 submissions from 2 submitters: Uncertain significance (2). Last evaluated 2025-03-13.

Conditions:
MPZ-related disorder. Also called: MPZ-related condition; MPZ-related disorders.
Charcot-Marie-Tooth disease, type I (CMT1). Also called: Charcot-Marie-Tooth, Type 1; Charcot-Marie-Tooth disease type 1. Identifiers: Orphanet 65753, MedGen C0751036, MONDO:0019011.

Allele frequency attached by ClinVar (database versions not stated): ExAC 0.00001.
gnomAD v4.1: 1 of 1,614,256 alleles (0.000062%); highest among the groups gnomAD compares: Admixed American, 0.0017%; no homozygotes.

Submissions (2):

PreventionGenetics, part of Exact Sciences
Classification: Uncertain significance for MPZ-related condition. Last evaluated: 2025-03-13. Review status: criteria provided, single submitter. Criteria: ACMG Guidelines, 2015. Collection method: clinical testing. Allele origin: germline.
Comment: The MPZ c.215G>T variant is predicted to result in the amino acid substitution p.Gly72Val. To our knowledge, this variant has not been reported in the literature. This variant is reported in 0.00088% of alleles in individuals of European (non-Finnish) descent in gnomAD. At this time, the clinical significance of this variant is uncertain due to the absence of conclusive functional and genetic evidence.

Labcorp Genetics (formerly Invitae), Labcorp
Classification: Uncertain significance for Charcot-Marie-Tooth disease, type I. Last evaluated: 2021-05-06. Review status: criteria provided, single submitter. Criteria: Invitae Variant Classification Sherloc (09022015). Collection method: clinical testing. Allele origin: germline.
Comment: This sequence change replaces glycine with valine at codon 72 of the MPZ protein (p.Gly72Val). The glycine residue is highly conserved and there is a moderate physicochemical difference between glycine and valine. This variant is present in population databases (rs773724920, ExAC 0.002%). This variant has not been reported in the literature in individuals with MPZ-related disease. Algorithms developed to predict the effect of missense changes on protein structure and function do not agree on the potential impact of this missense change (SIFT: "Deleterious"; PolyPhen-2: "Benign"; Align-GVGD: "Class C0"). Algorithms developed to predict the effect of sequence changes on RNA splicing suggest that this variant may create or strengthen a splice site, but this prediction has not been confirmed by published transcriptional studies. In summary, the available evidence is currently insufficient to determine the role of this variant in disease. Therefore, it has been classified as a Variant of Uncertain Significance.

NM_000530.8(MPZ):c.215G>T (p.Gly72Val)

Gene: MPZ (myelin protein zero; minus strand). Cytogenetic location: 1q23.3.
Variant type: single nucleotide variant.
Coding change: c.215G>T on transcript NM_000530.8 (MANE Select); coding-DNA position 215, G replaced by T.
Protein change: p.Gly72Val; replaces glycine 72 with valine.
Molecular consequence: missense variant.
Genome position (GRCh38, 1-based): chr1:161,307,277, C>A on the plus strand (G>T on the coding strand, the complement: MPZ is on the minus strand). VCF-style: chr1-161307277-C-A. GRCh37 (hg19) VCF-style: chr1-161277067-C-A.
Other names: c.215G>T (NM_000530.7, LRG_256t1); c.215G>T, p.Gly72Val (NM_001315491.2); short protein forms G72V.
Identifiers: ClinVar variation 531683 (VCV000531683.9), dbSNP rs773724920, ClinGen allele CA1210212.
Genomic context (GRCh38, chr1:161,307,277, plus strand): 5'-ACTTTCTGTTATCCAACCCCAGGATTCCCCCAGGCACTCACCGAAATGGCATCTCTGCCC[C>A]CTTCGGGCTGGTAGCGCCAGGTGAAGGAGATGTCATCTGAGACCCACTCACTGGACCAGA-3'
Protein context (NP_000521.2, residues 62-82): ISFTWRYQPE[Gly72Val]GRDAISIFHY